The following is an entry in ClinVar:

ClinVar aggregate classification (germline): Uncertain significance (1 of 4 stars; one submission).

Allele frequency attached by ClinVar (database versions not stated): ExAC 0.00001; gnomAD 0.00001; gnomAD exomes 0.00001; TOPMed 0.00004; ESP Exome Variant Server 0.00008.
gnomAD v4.1: 23 of 1,614,024 alleles (0.0014%); highest among the groups gnomAD compares: Middle Eastern, 0.016%; no homozygotes.

Submission:

Labcorp Genetics (formerly Invitae), Labcorp
Classification: Uncertain significance. Last evaluated: 2022-05-22. Review status: criteria provided, single submitter. Criteria: Invitae Variant Classification Sherloc (09022015). Collection method: clinical testing. Allele origin: germline.
Comment: In summary, the available evidence is currently insufficient to determine the role of this variant in disease. Therefore, it has been classified as a Variant of Uncertain Significance. Algorithms developed to predict the effect of missense changes on protein structure and function are either unavailable or do not agree on the potential impact of this missense change (SIFT: "Tolerated"; PolyPhen-2: "Probably Damaging"; Align-GVGD: "Class C0"). This variant has not been reported in the literature in individuals affected with TRAF3IP1-related conditions. This variant is present in population databases (rs149500281, gnomAD 0.005%). This sequence change replaces arginine, which is basic and polar, with glutamine, which is neutral and polar, at codon 470 of the TRAF3IP1 protein (p.Arg470Gln).

NM_015650.4(TRAF3IP1):c.1409G>A (p.Arg470Gln)

Gene: TRAF3IP1 (TRAF3 interacting protein 1; plus strand). Cytogenetic location: 2q37.3.
Variant type: single nucleotide variant.
Coding change: c.1409G>A on transcript NM_015650.4 (MANE Select); coding-DNA position 1409, G replaced by A.
Protein change: p.Arg470Gln; replaces arginine 470 with glutamine.
Molecular consequence: missense variant.
Genome position (GRCh38, 1-based): chr2:238,349,366, G>A. VCF-style: chr2-238349366-G-A. GRCh37 (hg19) VCF-style: chr2-239258007-G-A.
Other names: c.1211G>A, p.Arg404Gln (NM_001139490.1); short protein forms R470Q, R404Q.
Identifiers: ClinVar variation 2088577 (VCV002088577.2), dbSNP rs149500281, ClinGen allele CA2198441.
Genomic context (GRCh38, chr2:238,349,366, plus strand): 5'-TTCCAATATTTGGGTTTAGAAGAATTCCTCGGCCTGGGAGTGCAAGACCAGCCCCTCCCC[G>A]GGTCAAACGGCAAGACAGCATGGAGGCGCTACAAATGGATAGGTAAGGCTGGCTCAGCAG-3'
Protein context (NP_056465.2, residues 460-480): RPGSARPAPP[Arg470Gln]VKRQDSMEAL